The following is an entry in ClinVar:

ClinVar aggregate classification (germline): Conflicting classifications of pathogenicity. Review status: criteria provided, conflicting classifications (1 of 4 stars). 3 submissions from 3 submitters: Uncertain significance (1); Likely benign (1). 1 of the submissions does not count toward it. Last evaluated 2024-11-23.

Conditions:
CIT-related disorder. Also called: CIT-related condition.

Allele frequency attached by ClinVar (database versions not stated): ExAC 0.00004; TOPMed 0.00006; ESP Exome Variant Server 0.00008; gnomAD 0.00008; gnomAD exomes 0.00008; 1000 Genomes Project 30x 0.00016; 1000 Genomes Project 0.00020.
gnomAD v4.1: 131 of 1,614,078 alleles (0.0081%); highest among the groups gnomAD compares: Non-Finnish European, 0.01%; no homozygotes.

Submissions (3):

Labcorp Genetics (formerly Invitae), Labcorp
Classification: Uncertain significance. Last evaluated: 2024-11-23. Review status: criteria provided, single submitter. Criteria: Invitae Variant Classification Sherloc (09022015). Collection method: clinical testing. Allele origin: germline.
Comment: This sequence change affects codon 1435 of the CIT mRNA. It is a 'silent' change, meaning that it does not change the encoded amino acid sequence of the CIT protein. It affects a nucleotide within the consensus splice site. This variant is present in population databases (rs143040240, gnomAD 0.007%). This variant has not been reported in the literature in individuals affected with CIT-related conditions. ClinVar contains an entry for this variant (Variation ID: 3025098). Algorithms developed to predict the effect of sequence changes on RNA splicing suggest that this variant is not likely to affect RNA splicing. In summary, the available evidence is currently insufficient to determine the role of this variant in disease. Therefore, it has been classified as a Variant of Uncertain Significance.

CeGaT Center for Human Genetics Tuebingen
Classification: Likely benign. Last evaluated: 2024-10-01. Review status: criteria provided, single submitter. Criteria: CeGaT Center For Human Genetics Tuebingen Variant Classification Criteria Version 2. Collection method: clinical testing. Allele origin: germline. Affected: yes. Observed: 2 variant alleles.
Comment: CIT: BP4, BP7

PreventionGenetics, part of Exact Sciences
Classification: Likely benign for CIT-related condition. Last evaluated: 2019-06-27. Review status: no assertion criteria provided. Collection method: clinical testing. Allele origin: germline. Not counted in ClinVar's aggregate classification.
Comment: This variant is classified as likely benign based on ACMG/AMP sequence variant interpretation guidelines (Richards et al. 2015 PMID: 25741868, with internal and published modifications).

NM_001206999.2(CIT):c.4305C>T (p.Leu1435=)

Gene: CIT (citron rho-interacting serine/threonine kinase; minus strand). Cytogenetic location: 12q24.23.
Variant type: single nucleotide variant.
Coding change: c.4305C>T on transcript NM_001206999.2 (MANE Select); coding-DNA position 4305, C replaced by T.
Protein change: p.Leu1435=; no amino-acid change (leucine 1435 retained).
Molecular consequence: synonymous variant.
Genome position (GRCh38, 1-based): chr12:119,714,198, G>A on the plus strand (C>T on the coding strand, the complement: CIT is on the minus strand). VCF-style: chr12-119714198-G-A. GRCh37 (hg19) VCF-style: chr12-120152003-G-A.
Other names: c.4179C>T, p.Leu1393= (NM_007174.3); c.4305C>T (NM_001206999.1).
Identifiers: ClinVar variation 3025098 (VCV003025098.25), dbSNP rs143040240, ClinGen allele CA6821271.